The following is an entry in ClinVar:

ClinVar aggregate classification (germline): Benign/Likely benign. Review status: criteria provided, multiple submitters, no conflicts (2 of 4 stars). 5 submissions from 5 submitters: Benign (1); Likely benign (4). Last evaluated 2025-10-26.

Conditions:
Wolfram syndrome 1 (WFS1). Identifiers: Orphanet 3463, MedGen C4551693, MONDO:0009101, OMIM 222300.

Allele frequency attached by ClinVar (database versions not stated): gnomAD 0.00006; TOPMed 0.00010; gnomAD exomes 0.00012; 1000 Genomes Project 30x 0.00016; ExAC 0.00022.
gnomAD v4.1: 121 of 1,585,234 alleles (0.0076%); highest among the groups gnomAD compares: African/African-American, 0.028%; 1 homozygote.

Submissions (5):

Labcorp Genetics (formerly Invitae), Labcorp
Classification: Likely benign. Last evaluated: 2025-10-26. Review status: criteria provided, single submitter. Criteria: Invitae Variant Classification Sherloc (09022015). Collection method: clinical testing. Allele origin: germline.

Blueprint Genetics
Classification: Likely benign. Last evaluated: 2024-11-01. Review status: criteria provided, single submitter. Criteria: ACMG Guidelines, 2015. Collection method: clinical testing. Allele origin: germline.

CeGaT Center for Human Genetics Tuebingen
Classification: Likely benign. Last evaluated: 2024-04-01. Review status: criteria provided, single submitter. Criteria: CeGaT Center For Human Genetics Tuebingen Variant Classification Criteria Version 2. Collection method: clinical testing. Allele origin: germline. Affected: yes. Observed: 2 variant alleles.
Comment: WFS1: BP4, BP7

GeneDx
Classification: Likely benign. Last evaluated: 2020-09-02. Review status: criteria provided, single submitter. Criteria: GeneDx Variant Classification Process June 2021. Collection method: clinical testing. Allele origin: germline. Affected: yes.

Clinical Genomics, Uppaluri K&H Personalized Medicine Clinic
Classification: Benign for Wolfram syndrome 1. Review status: criteria provided, single submitter. Criteria: K & H Uppaluri Personalized Medicine Clinic Variant Classification & Assertion Criteria_Updated V.1. Collection method: research. Allele origin: unknown. Inheritance: Autosomal recessive inheritance.
Comment: Potent mutations in WFS1 gene are associated with Wolfram's syndrome, an autosomal recessive condition, which cause diabetes mellitus, diabetes insipidus, deafness and optic atrophy. However no sufficient evidence is found to ascertain the role of this particular variant rs750859280 in Wolfram's syndrome yet.

Literature cited by the submitters: PubMed 20738327 (cited by Clinical Genomics, Uppaluri K&H Personalized Medicine Clinic); PubMed 33879153 (cited by Clinical Genomics, Uppaluri K&H Personalized Medicine Clinic); PubMed 12955714 (cited by Clinical Genomics, Uppaluri K&H Personalized Medicine Clinic); PubMed 18060660 (cited by Clinical Genomics, Uppaluri K&H Personalized Medicine Clinic); PubMed 20301750 (cited by Clinical Genomics, Uppaluri K&H Personalized Medicine Clinic); PubMed 17603484 (cited by Clinical Genomics, Uppaluri K&H Personalized Medicine Clinic).

NM_006005.3(WFS1):c.69G>A (p.Ala23=)

Gene: WFS1 (wolframin ER transmembrane glycoprotein; plus strand). Cytogenetic location: 4p16.1.
Variant type: single nucleotide variant.
Coding change: c.69G>A on transcript NM_006005.3 (MANE Select); coding-DNA position 69, G replaced by A.
Protein change: p.Ala23=; no amino-acid change (alanine 23 retained).
Molecular consequence: synonymous variant.
Genome position (GRCh38, 1-based): chr4:6,277,524, G>A. VCF-style: chr4-6277524-G-A. GRCh37 (hg19) VCF-style: chr4-6279251-G-A.
Other names: c.69G>A, p.Ala23= (NM_001145853.1).
Identifiers: ClinVar variation 386280 (VCV000386280.36), dbSNP rs750859280, ClinGen allele CA2838788.